The following is an entry in ClinVar:

NM_001042492.3(NF1):c.2671G>A (p.Val891Ile)

Gene: NF1 (neurofibromin 1; plus strand). Cytogenetic location: 17q11.2.
Variant type: single nucleotide variant.
Coding change: c.2671G>A on transcript NM_001042492.3 (MANE Select); coding-DNA position 2671, G replaced by A.
Protein change: p.Val891Ile; replaces valine 891 with isoleucine.
Molecular consequence: missense variant.
Genome position (GRCh38, 1-based): chr17:31,229,286, G>A. VCF-style: chr17-31229286-G-A. GRCh37 (hg19) VCF-style: chr17-29556304-G-A.
Other names: c.2671G>A, p.Val891Ile (NM_000267.4); short protein forms V891I.
Identifiers: ClinVar variation 859263 (VCV000859263.7), dbSNP rs1060500256, ClinGen allele CA398984850.
Genomic context (GRCh38, chr17:31,229,286, plus strand): 5'-AGTGAACGTAAGGGTTCTATGATTTCAGTGATGTCTTCAGAGGGAAACGCAGATACACCT[G>A]TCAGCAAATTTATGGATCGGCTGTTGTCCTTAATGGTGTGTAACCATGAGAAAGTGGGAC-3'
Protein context (NP_001035957.1, residues 881-901): MSSEGNADTP[Val891Ile]SKFMDRLLSL

ClinVar aggregate classification (germline): Uncertain significance. Review status: criteria provided, multiple submitters, no conflicts (2 of 4 stars). 2 submissions from 2 submitters: Uncertain significance (2). Last evaluated 2026-01-08.

Conditions:
Hereditary cancer-predisposing syndrome. Also called: Hereditary neoplastic syndrome; Tumor predisposition; Neoplastic Syndromes, Hereditary; Hereditary Cancer Syndrome. Identifiers: Orphanet 140162, MedGen C0027672, MeSH D009386, MONDO:0015356.
Cardiovascular phenotype. Identifiers: MedGen CN230736.
Neurofibromatosis, type 1 (NF1). Also called: Neurofibromatosis, type I; VON RECKLINGHAUSEN DISEASE; Peripheral type neurofibromatosis; NEUROFIBROMATOSIS, TYPE I, SOMATIC. Identifiers: Orphanet 636, MedGen C0027831, MONDO:0018975, OMIM 162200. Disease mechanism: loss of function.

Submissions (2):

Labcorp Genetics (formerly Invitae), Labcorp
Classification: Uncertain significance for Neurofibromatosis, type 1. Last evaluated: 2026-01-08. Review status: criteria provided, single submitter. Criteria: Invitae Variant Classification Sherloc (09022015). Collection method: clinical testing. Allele origin: germline.
Comment: This sequence change replaces valine, which is neutral and non-polar, with isoleucine, which is neutral and non-polar, at codon 891 of the NF1 protein (p.Val891Ile). This variant is not present in population databases (gnomAD no frequency). This variant has not been reported in the literature in individuals affected with NF1-related conditions. ClinVar contains an entry for this variant (Variation ID: 859263). Invitae Evidence Modeling of protein sequence and biophysical properties (such as structural, functional, and spatial information, amino acid conservation, physicochemical variation, residue mobility, and thermodynamic stability) indicates that this missense variant is not expected to disrupt NF1 protein function with a negative predictive value of 95%. In summary, the available evidence is currently insufficient to determine the role of this variant in disease. Therefore, it has been classified as a Variant of Uncertain Significance.

Ambry Genetics
Classification: Uncertain significance for Cardiovascular phenotype; Hereditary cancer-predisposing syndrome. Last evaluated: 2023-10-24. Review status: criteria provided, single submitter. Criteria: Ambry Variant Classification Scheme 2023. Collection method: clinical testing. Allele origin: germline.
Comment: The p.V891I variant (also known as c.2671G>A), located in coding exon 21 of the NF1 gene, results from a G to A substitution at nucleotide position 2671. The valine at codon 891 is replaced by isoleucine, an amino acid with highly similar properties. This amino acid position is conserved. In addition, the in silico prediction for this alteration is inconclusive. Since supporting evidence is limited at this time, the clinical significance of this alteration remains unclear.